The following is an entry in ClinVar:

NM_000023.4(SGCA):c.366G>A (p.Leu122=)

Gene: SGCA (sarcoglycan alpha; plus strand). Cytogenetic location: 17q21.33.
Variant type: single nucleotide variant.
Coding change: c.366G>A on transcript NM_000023.4 (MANE Select); coding-DNA position 366, G replaced by A.
Protein change: p.Leu122=; no amino-acid change (leucine 122 retained).
Molecular consequence: synonymous variant. On other transcripts: non-coding transcript variant (1).
Genome position (GRCh38, 1-based): chr17:50,168,000, G>A. VCF-style: chr17-50168000-G-A. GRCh37 (hg19) VCF-style: chr17-48245361-G-A.
Other names: c.366G>A, p.Leu122= (NM_001135697.3).
Identifiers: ClinVar variation 497073 (VCV000497073.33), dbSNP rs147739328, ClinGen allele CA8643779.

ClinVar aggregate classification (germline): Conflicting classifications of pathogenicity. Review status: criteria provided, conflicting classifications (1 of 4 stars). 7 submissions from 7 submitters: Uncertain significance (1); Benign (1); Likely benign (3). 2 of the submissions do not count toward it. Last evaluated 2026-01-24.

Conditions:
SGCA-related disorder. Also called: SGCA-related condition.
Autosomal recessive limb-girdle muscular dystrophy type 2D (LGMDR3). Also called: ADHALINOPATHY, PRIMARY; DUCHENNE-LIKE AUTOSOMAL RECESSIVE MUSCULAR DYSTROPHY, TYPE 2; MUSCULAR DYSTROPHY, LIMB-GIRDLE, AUTOSOMAL RECESSIVE 3. Identifiers: Orphanet 62, MedGen C2936332, MONDO:0011968, OMIM 608099. Disease mechanism: Affects gamma-sarcoglycan and also disrupts the integrity of the entire sarcoglycan complex..

Allele frequency attached by ClinVar (database versions not stated): gnomAD exomes 0.00018; ExAC 0.00027; 1000 Genomes Project 30x 0.00047; 1000 Genomes Project 0.00060; ESP Exome Variant Server 0.00062; gnomAD 0.00073 and 0.00075; TOPMed 0.00085.
gnomAD v4.1: 215 of 1,614,096 alleles (0.013%); highest among the groups gnomAD compares: African/African-American, 0.24%; no homozygotes.

Submissions (7):

Labcorp Genetics (formerly Invitae), Labcorp
Classification: Benign for Autosomal recessive limb-girdle muscular dystrophy type 2D. Last evaluated: 2026-01-24. Review status: criteria provided, single submitter. Criteria: Invitae Variant Classification Sherloc (09022015). Collection method: clinical testing. Allele origin: germline.

Blueprint Genetics
Classification: Likely benign. Last evaluated: 2024-05-13. Review status: criteria provided, single submitter. Criteria: ACMG Guidelines, 2015. Collection method: clinical testing. Allele origin: germline.

Athena Diagnostics
Classification: Likely benign. Last evaluated: 2019-02-28. Review status: criteria provided, single submitter. Criteria: Athena Diagnostics Criteria. Collection method: clinical testing. Allele origin: germline.

GeneDx
Classification: Likely benign. Last evaluated: 2018-08-10. Review status: criteria provided, single submitter. Criteria: GeneDx Variant Classification Process June 2021. Collection method: clinical testing. Allele origin: germline. Affected: yes.

Eurofins Ntd Llc (ga)
Classification: Uncertain significance. Last evaluated: 2016-10-25. Review status: criteria provided, single submitter. Criteria: EGL Classification Definitions 2015. Collection method: clinical testing. Allele origin: germline. Observed: 2 variant alleles, 2 heterozygotes.

PreventionGenetics, part of Exact Sciences
Classification: Likely benign for SGCA-related condition. Last evaluated: 2020-10-20. Review status: no assertion criteria provided. Collection method: clinical testing. Allele origin: germline. Not counted in ClinVar's aggregate classification.
Comment: This variant is classified as likely benign based on ACMG/AMP sequence variant interpretation guidelines (Richards et al. 2015 PMID: 25741868, with internal and published modifications).

Natera, Inc.
Classification: Likely benign for Limb-girdle muscular dystrophy type 2D. Last evaluated: 2020-05-14. Review status: no assertion criteria provided. Collection method: clinical testing. Allele origin: germline. Not counted in ClinVar's aggregate classification.